The following is an entry in ClinVar:

NM_000246.4(CIITA):c.2323G>C (p.Gly775Arg)

Gene: CIITA (class II major histocompatibility complex transactivator; plus strand). Cytogenetic location: 16p13.13.
Variant type: single nucleotide variant.
Coding change: c.2323G>C on transcript NM_000246.4 (MANE Select); coding-DNA position 2323, G replaced by C.
Protein change: p.Gly775Arg; replaces glycine 775 with arginine.
Molecular consequence: missense variant. On other transcripts: intron variant (1).
Genome position (GRCh38, 1-based): chr16:10,907,815, G>C. VCF-style: chr16-10907815-G-C. GRCh37 (hg19) VCF-style: chr16-11001672-G-C.
Other names: c.2326G>C, p.Gly776Arg (NM_001286402.1, NM_001379332.1); c.2179G>C, p.Gly727Arg (NM_001379330.1); c.2176G>C, p.Gly726Arg (NM_001379331.1); c.2323G>C, p.Gly775Arg (NM_001379333.1); c.2254G>C, p.Gly752Arg (NM_001379334.1); c.860-1168G>C (NM_001286403.2); short protein forms G727R, G775R, G776R, G752R, G726R.
Identifiers: ClinVar variation 4698463 (VCV004698463.1).

ClinVar aggregate classification (germline): Uncertain significance (1 of 4 stars; one submission).

Conditions:
MHC class II deficiency. Also called: BLS, TYPE II; Bare lymphocyte syndrome 2. Identifiers: Orphanet 572, MedGen C5447452, MONDO:0008855.

gnomAD v4.1: 3 of 1,613,998 alleles (0.00019%); highest among the groups gnomAD compares: South Asian, 0.0011%; no homozygotes.

Submission:

Labcorp Genetics (formerly Invitae), Labcorp
Classification: Uncertain significance for MHC class II deficiency. Last evaluated: 2025-02-24. Review status: criteria provided, single submitter. Criteria: Invitae Variant Classification Sherloc (09022015). Collection method: clinical testing. Allele origin: germline.
Comment: This sequence change replaces glycine, which is neutral and non-polar, with arginine, which is basic and polar, at codon 775 of the CIITA protein (p.Gly775Arg). This variant is present in population databases (no rsID available, gnomAD 0.003%). This variant has not been reported in the literature in individuals affected with CIITA-related conditions. An algorithm developed to predict the effect of missense changes on protein structure and function outputs the following: PolyPhen-2: "Benign". The arginine amino acid residue is found in multiple mammalian species, which suggests that this missense change does not adversely affect protein function. In summary, the available evidence is currently insufficient to determine the role of this variant in disease. Therefore, it has been classified as a Variant of Uncertain Significance.